The following is an entry in ClinVar:

NM_144666.3(DNHD1):c.2145T>C (p.His715=)

Gene: DNHD1 (dynein heavy chain domain 1; plus strand). Cytogenetic location: 11p15.4.
Variant type: single nucleotide variant.
Coding change: c.2145T>C on transcript NM_144666.3 (MANE Select); coding-DNA position 2145, T replaced by C.
Protein change: p.His715=; no amino-acid change (histidine 715 retained).
Molecular consequence: synonymous variant.
Genome position (GRCh38, 1-based): chr11:6,528,919, T>C. VCF-style: chr11-6528919-T-C. GRCh37 (hg19) VCF-style: chr11-6550149-T-C.
Identifiers: ClinVar variation 4872752 (VCV004872752.2).
Genomic context (GRCh38, chr11:6,528,919, plus strand): 5'-ACACCTTGTCTGCCCTTAGGGCGTGCTGTGCAAGGTGCAGGAATTCTGCAGGGAACATCA[T>C]TGGATAACAGGCATTTATGAATTCCTGCAATCCTGGGGGCCTCAGAAGCTGGAAGACATG-3'
Protein context (NP_653267.2, residues 705-725): CKVQEFCREH[His715=]WITGIYEFLQ

ClinVar aggregate classification (germline): Likely benign (1 of 4 stars; one submission).

gnomAD v4.1: 295 of 1,551,746 alleles (0.019%); highest among the groups gnomAD compares: African/African-American, 0.22%; 1 homozygote.

Submission:

CeGaT Center for Human Genetics Tuebingen
Classification: Likely benign. Last evaluated: 2026-04-01. Review status: criteria provided, single submitter. Criteria: CeGaT Center For Human Genetics Tuebingen Variant Classification Criteria Version 2. Collection method: clinical testing. Allele origin: germline. Affected: yes. Observed: 1 variant allele.
Comment: DNHD1: BP4, BP7